The following is an entry in ClinVar:

NM_001128178.3(NPHP1):c.474C>T (p.Ile158=)

Gene: NPHP1 (nephrocystin 1; minus strand). Cytogenetic location: 2q13.
Variant type: single nucleotide variant.
Coding change: c.474C>T on transcript NM_001128178.3 (MANE Select); coding-DNA position 474, C replaced by T.
Protein change: p.Ile158=; no amino-acid change (isoleucine 158 retained).
Molecular consequence: synonymous variant.
Genome position (GRCh38, 1-based): chr2:110,169,854, G>A on the plus strand (C>T on the coding strand, the complement: NPHP1 is on the minus strand). VCF-style: chr2-110169854-G-A. GRCh37 (hg19) VCF-style: chr2-110927431-G-A.
Other names: c.474C>T (NM_000272.3); c.474C>T, p.Ile158= (NM_000272.5, NM_001374256.1, NM_001374257.1 and 1 more transcripts); c.288C>T, p.Ile96= (NM_001128179.3).
Identifiers: ClinVar variation 502565 (VCV000502565.10), dbSNP rs1253817401, ClinGen allele CA427919332.

ClinVar aggregate classification (germline): Conflicting classifications of pathogenicity. Review status: criteria provided, conflicting classifications (1 of 4 stars). 3 submissions from 3 submitters: Uncertain significance (1); Likely benign (2). Last evaluated 2026-02-05.

Conditions:
NPHP1-related disorder. Also called: NPHP1-related condition; NPHP1-related disorders.
Nephronophthisis. Also called: Juvenile Nephronophthisis. Identifiers: Orphanet 655, MedGen C0687120, MONDO:0019005, HP:0000090.

Allele frequency attached by ClinVar (database versions not stated): gnomAD exomes below 0.00001; TOPMed below 0.00001; gnomAD 0.00001.
gnomAD v4.1: 13 of 1,613,476 alleles (0.00081%); highest among the groups gnomAD compares: African/African-American, 0.0013%; no homozygotes.

Submissions (3):

PreventionGenetics, part of Exact Sciences
Classification: Likely benign for NPHP1-related condition. Last evaluated: 2026-02-05. Review status: criteria provided, single submitter. Criteria: ACMG Guidelines, 2015. Collection method: clinical testing. Allele origin: germline.
Comment: This variant is classified as likely benign based on ACMG/AMP sequence variant interpretation guidelines (Richards et al. 2015 PMID: 25741868, with internal and published modifications).

Labcorp Genetics (formerly Invitae), Labcorp
Classification: Likely benign for Nephronophthisis. Last evaluated: 2025-01-06. Review status: criteria provided, single submitter. Criteria: Invitae Variant Classification Sherloc (09022015). Collection method: clinical testing. Allele origin: germline.

Eurofins Ntd Llc (ga)
Classification: Uncertain significance. Last evaluated: 2017-06-14. Review status: criteria provided, single submitter. Criteria: EGL Classification Definitions 2015. Collection method: clinical testing. Allele origin: germline. Observed: 1 variant allele, 1 heterozygote.